The following is an entry in ClinVar:

ClinVar aggregate classification (germline): Uncertain significance. Review status: criteria provided, multiple submitters, no conflicts (2 of 4 stars). 2 submissions from 2 submitters: Uncertain significance (2). Last evaluated 2025-01-13.

gnomAD v4.1: 1 of 1,612,352 alleles (0.000062%); highest among the groups gnomAD compares: Non-Finnish European, 0.000085%; no homozygotes.

Submissions (2):

Labcorp Genetics (formerly Invitae), Labcorp
Classification: Uncertain significance. Last evaluated: 2025-01-13. Review status: criteria provided, single submitter. Criteria: Invitae Variant Classification Sherloc (09022015). Collection method: clinical testing. Allele origin: germline.
Comment: This sequence change replaces arginine, which is basic and polar, with leucine, which is neutral and non-polar, at codon 418 of the CSF2RB protein (p.Arg418Leu). This variant is not present in population databases (gnomAD no frequency). This variant has not been reported in the literature in individuals affected with CSF2RB-related conditions. ClinVar contains an entry for this variant (Variation ID: 2880186). Invitae Evidence Modeling of protein sequence and biophysical properties (such as structural, functional, and spatial information, amino acid conservation, physicochemical variation, residue mobility, and thermodynamic stability) indicates that this missense variant is not expected to disrupt CSF2RB protein function with a negative predictive value of 80%. In summary, the available evidence is currently insufficient to determine the role of this variant in disease. Therefore, it has been classified as a Variant of Uncertain Significance.

Breakthrough Genomics
Classification: Uncertain significance. Review status: criteria provided, single submitter. Criteria: ACMG Guidelines, 2015. Collection method: not provided. Allele origin: germline. Inheritance: Autosomal dominant inheritance. Affected: yes.

NM_000395.3(CSF2RB):c.1253G>T (p.Arg418Leu)

Gene: CSF2RB (colony stimulating factor 2 receptor subunit beta; plus strand). Cytogenetic location: 22q12.3.
Variant type: single nucleotide variant.
Coding change: c.1253G>T on transcript NM_000395.3 (MANE Select); coding-DNA position 1253, G replaced by T.
Protein change: p.Arg418Leu; replaces arginine 418 with leucine.
Molecular consequence: missense variant.
Genome position (GRCh38, 1-based): chr22:36,933,932, G>T. VCF-style: chr22-36933932-G-T. GRCh37 (hg19) VCF-style: chr22-37329974-G-T.
Other names: c.1271G>T, p.Arg424Leu (NM_001410827.1); short protein forms R418L, R424L.
Identifiers: ClinVar variation 2880186 (VCV002880186.4), dbSNP rs780360588, ClinGen allele CA411409021.
Genomic context (GRCh38, chr22:36,933,932, plus strand): 5'-CCCTGCCAGCCCTGGAGCCCTCCACCAGGTACTGGGCCAGGGTGAGGGTCAGGACCTCCC[G>T]CACCGGCTACAACGGGATCTGGAGCGAGTGGAGTGAGGCGCGCTCCTGGGACACCGAGTC-3'
Protein context (NP_000386.1, residues 408-428): YWARVRVRTS[Arg418Leu]TGYNGIWSEW